The following is an entry in ClinVar:

ClinVar aggregate classification (germline): Uncertain significance (1 of 4 stars; one submission).

Conditions:
Nemaline myopathy 2 (NEM2). Also called: Nemaline myopathy 2, autosomal recessive. Identifiers: MedGen C1850569, MONDO:0009725, OMIM 256030.

Allele frequency attached by ClinVar (database versions not stated): TOPMed 0.00002.
gnomAD v4.1: 1 of 1,602,112 alleles (0.000062%); highest among the groups gnomAD compares: Admixed American, 0.0017%; no homozygotes.

Submission:

Labcorp Genetics (formerly Invitae), Labcorp
Classification: Uncertain significance for Nemaline myopathy 2. Last evaluated: 2021-09-17. Review status: criteria provided, single submitter. Criteria: Invitae Variant Classification Sherloc (09022015). Collection method: clinical testing. Allele origin: germline.
Comment: This sequence change replaces arginine with glycine at codon 1747 of the NEB protein (p.Arg1747Gly). The arginine residue is moderately conserved and there is a moderate physicochemical difference between arginine and glycine. This variant is not present in population databases (ExAC no frequency). This variant has not been reported in the literature in individuals with NEB-related conditions. Algorithms developed to predict the effect of missense changes on protein structure and function are either unavailable or do not agree on the potential impact of this missense change (SIFT: "Deleterious"; PolyPhen-2: "Not Available"; Align-GVGD: "Class C0"). In summary, the available evidence is currently insufficient to determine the role of this variant in disease. Therefore, it has been classified as a Variant of Uncertain Significance.

NM_001164508.2(NEB):c.5239A>G (p.Arg1747Gly)

Gene: NEB (nebulin; minus strand). Cytogenetic location: 2q23.3.
Variant type: single nucleotide variant.
Coding change: c.5239A>G on transcript NM_001164508.2 (MANE Select); coding-DNA position 5239, A replaced by G.
Protein change: p.Arg1747Gly; replaces arginine 1747 with glycine.
Molecular consequence: missense variant.
Genome position (GRCh38, 1-based): chr2:151,664,863, T>C on the plus strand (A>G on the coding strand, the complement: NEB is on the minus strand). VCF-style: chr2-151664863-T-C. GRCh37 (hg19) VCF-style: chr2-152521377-T-C.
Other names: c.5239A>G, p.Arg1747Gly (NM_001164507.2, NM_001271208.2, NM_004543.5); short protein forms R1747G.
Identifiers: ClinVar variation 1430707 (VCV001430707.5), dbSNP rs1272476034, ClinGen allele CA348811886.